The following is an entry in ClinVar:

ClinVar aggregate classification (germline): Uncertain significance (1 of 4 stars; one submission).

Allele frequency attached by ClinVar (database versions not stated): gnomAD exomes below 0.00001.
gnomAD v4.1: 1 of 1,614,170 alleles (0.000062%); highest among the groups gnomAD compares: Non-Finnish European, 0.000085%; no homozygotes.

Submission:

Ambry Genetics
Classification: Uncertain significance. Last evaluated: 2024-07-01. Review status: criteria provided, single submitter. Criteria: Ambry Variant Classification Scheme 2023. Collection method: clinical testing. Allele origin: germline.
Comment: The p.P1080S variant (also known as c.3238C>T), located in coding exon 4 of the ALPK2 gene, results from a C to T substitution at nucleotide position 3238. The proline at codon 1080 is replaced by serine, an amino acid with similar properties. This amino acid position is conserved. In addition, this alteration is predicted to be tolerated by in silico analysis. Since supporting evidence is limited at this time, the clinical significance of this alteration remains unclear.

NM_052947.4(ALPK2):c.3238C>T (p.Pro1080Ser)

Gene: ALPK2 (alpha kinase 2; minus strand). Cytogenetic location: 18q21.31.
Variant type: single nucleotide variant.
Coding change: c.3238C>T on transcript NM_052947.4 (MANE Select); coding-DNA position 3238, C replaced by T.
Protein change: p.Pro1080Ser; replaces proline 1080 with serine.
Molecular consequence: missense variant.
Genome position (GRCh38, 1-based): chr18:58,536,949, G>A on the plus strand (C>T on the coding strand, the complement: ALPK2 is on the minus strand). VCF-style: chr18-58536949-G-A. GRCh37 (hg19) VCF-style: chr18-56204181-G-A.
Other names: short protein forms P1080S.
Identifiers: ClinVar variation 1729258 (VCV001729258.3), dbSNP rs2518876711, ClinGen allele CA402568809.